The following is an entry in ClinVar:

ClinVar aggregate classification (germline): Uncertain significance (1 of 4 stars; one submission).

Allele frequency attached by ClinVar (database versions not stated): gnomAD exomes below 0.00001; TOPMed 0.00001; ESP Exome Variant Server 0.00008.
gnomAD v4.1: 3 of 1,592,708 alleles (0.00019%); highest among the groups gnomAD compares: Admixed American, 0.0017%; no homozygotes.

Submission:

Labcorp Genetics (formerly Invitae), Labcorp
Classification: Uncertain significance. Last evaluated: 2022-09-13. Review status: criteria provided, single submitter. Criteria: Invitae Variant Classification Sherloc (09022015). Collection method: clinical testing. Allele origin: germline.
Comment: This sequence change replaces threonine, which is neutral and polar, with isoleucine, which is neutral and non-polar, at codon 82 of the ATF6 protein (p.Thr82Ile). This variant is present in population databases (rs144743551, gnomAD 0.01%). In summary, the available evidence is currently insufficient to determine the role of this variant in disease. Therefore, it has been classified as a Variant of Uncertain Significance. Algorithms developed to predict the effect of missense changes on protein structure and function are either unavailable or do not agree on the potential impact of this missense change (SIFT: "Deleterious"; PolyPhen-2: "Benign"; Align-GVGD: "Class C0"). ClinVar contains an entry for this variant (Variation ID: 935774). This variant has not been reported in the literature in individuals affected with ATF6-related conditions.

NM_007348.4(ATF6):c.245C>T (p.Thr82Ile)

Gene: ATF6 (activating transcription factor 6; plus strand). Cytogenetic location: 1q23.3.
Variant type: single nucleotide variant.
Coding change: c.245C>T on transcript NM_007348.4 (MANE Select); coding-DNA position 245, C replaced by T.
Protein change: p.Thr82Ile; replaces threonine 82 with isoleucine.
Molecular consequence: missense variant.
Genome position (GRCh38, 1-based): chr1:161,781,997, C>T. VCF-style: chr1-161781997-C-T. GRCh37 (hg19) VCF-style: chr1-161751787-C-T.
Other names: short protein forms T82I.
Identifiers: ClinVar variation 935774 (VCV000935774.6), dbSNP rs144743551, ClinGen allele CA31726606.